The following is an entry in ClinVar:

NM_001048174.2(MUTYH):c.1063del (p.Ala357fs)

Gene: MUTYH (mutY DNA glycosylase; minus strand). Cytogenetic location: 1p34.1.
Variant type: Deletion.
Coding change: c.1063del on transcript NM_001048174.2 (MANE Select); coding-DNA position 1063, one base deleted (C; older notation c.1063delC).
Protein change: p.Ala357fs; shifts the reading frame from alanine 357.
Molecular consequence: frameshift variant. On other transcripts: non-coding transcript variant (2).
Genome position (GRCh38, 1-based): chr1:45,331,700, G deleted on the plus strand (C on the coding strand, the reverse complement: MUTYH is on the minus strand); the first of 3 consecutive G bases (chr1:45,331,700-45,331,702); deleting any one gives the same sequence. VCF-style (leftmost placement, unchanged base first): chr1-45331699-AG-A. GRCh37 (hg19) VCF-style: chr1-45797371-AG-A.
Other names: c.1105delC (NM_001048171.1); c.1063del, p.Ala357fs (NM_001048171.2, NM_001048173.2, NM_001293195.2); c.1066del, p.Ala358fs (NM_001048172.2); c.1147del, p.Ala385fs (NM_001128425.2); c.1108del, p.Ala372fs (NM_001293190.2); c.1096del, p.Ala368fs (NM_001293191.2); c.787del, p.Ala265fs (NM_001293192.2, NM_001293196.2); c.718del, p.Ala242fs (NM_001350650.2, NM_001350651.2); and 2 more; short protein forms A357fs, A358fs, A371fs, A372fs, A242fs, A265fs, A382fs, A368fs.
Identifiers: ClinVar variation 134860 (VCV000134860.113), dbSNP rs587778536, ClinGen allele CA012183.

ClinVar aggregate classification (germline): Pathogenic/Likely pathogenic. Review status: criteria provided, multiple submitters, no conflicts (2 of 4 stars). 39 submissions from 39 submitters: Pathogenic (27); Likely pathogenic (2). 10 of the submissions do not count toward it. Last evaluated 2026-10-01.

Conditions:
MUTYH-related disorder. Also called: MUTYH-related condition; MUTYH-related disorders.
Gastric cancer. Also called: Malignant tumor of stomach; Stomach cancer. Identifiers: MedGen C0024623, MeSH D013274, MONDO:0001056, OMIM 613659, HP:0012126.
Familial adenomatous polyposis 2. Also called: MYH-associated polyposis; FAP type 2; MUTYH Polyposis; MUTYH-related attenuated familial adenomatous polyposis; Adenomas, multiple colorectal; COLORECTAL ADENOMATOUS POLYPOSIS, AUTOSOMAL RECESSIVE. Identifiers: Orphanet 220460, Orphanet 247798, MedGen C3272841, MONDO:0012041, OMIM 608456.
Hereditary cancer-predisposing syndrome. Also called: Tumor predisposition; Neoplastic Syndromes, Hereditary; Hereditary neoplastic syndrome; Hereditary Cancer Syndrome. Identifiers: Orphanet 140162, MedGen C0027672, MeSH D009386, MONDO:0015356.
Colorectal cancer. Also called: Malignant Colorectal Neoplasm; Colorectal cancer, somatic. Identifiers: MedGen C0346629, MONDO:0005575, OMIM 114500.
Familial colorectal cancer. Identifiers: MedGen CN280943, MONDO:0023113. Disease mechanism: loss of function.
Carcinoma of colon (CRC). Also called: Colonic carcinoma; Colon carcinoma. Identifiers: MedGen C0699790, MONDO:0002032.

Submissions 1 to 8 of 39:

St. Jude Molecular Pathology, St. Jude Children's Research Hospital
Classification: Pathogenic for Familial adenomatous polyposis 2. Last evaluated: 2026-10-01. Review status: criteria provided, single submitter. Criteria: St. Jude Assertion Criteria 2020. Collection method: clinical testing. Allele origin: germline.
Comment: The MUTYH c.1147del p.(Ala385ProfsTer23) change deletes one nucleotide to cause a frameshift and the creation of a premature stop codon. This change is predicted to cause protein truncation or absence of protein due to nonsense-mediated decay. This variant has a maximum subpopulation frequency of 0.011% in gnomAD v2.1.1. This variant has been reported in the homozygous and compound heterozygous states in individuals with MUTYH-associated polyposis (PMID: 34704405, 15635083, 16557584, 17674103, 19732775, 20618354, 22865608, 27829682, 34704405). This variant has been reported to co-segregate with disease in individuals affected with colorectal cancer and polyposis (with polyp numbers ranging from 10 to >100) (PMID: 19732775). In summary, this variant meets criteria to be classified as pathogenic.

Dasa
Classification: Pathogenic. Last evaluated: 2026-03-30. Review status: criteria provided, single submitter. Criteria: DASA Assertion Criteria. Collection method: clinical testing. Allele origin: germline.
Comment: NM_001048174.2(MUTYH):c.1063del (p.Ala357ProfsTer23) introduces a premature termination codon predicted to result in loss of normal protein function. Loss-of-function is an established mechanism of disease for this gene. Functional evidence supports a deleterious effect on the gene or gene product (PMID: 24691292; PMID: 18534194; PMID: 15987719; PMID: 23108399). This variant has been recurrently observed in individuals with related phenotype (PMID: 24691292; PMID: 18534194; PMID: 15987719; PMID: 23108399). The variant is present at low frequency in population datasets. Based on the available data, this variant is classified as pathogenic.

PreventionGenetics, part of Exact Sciences
Classification: Pathogenic for MUTYH-related condition. Last evaluated: 2026-02-24. Review status: criteria provided, single submitter. Criteria: ACMG Guidelines, 2015. Collection method: clinical testing. Allele origin: germline.
Comment: The MUTYH c.1147delC variant is predicted to result in a frameshift and premature protein termination (p.Ala385Profs*23). This variant is also referred to as c.1103delC in the literature. It has been reported in the homozygous state or with a second MUTYH variant in individuals with MUTYH-associated polyposis (MAP), multiple colorectal adenomas and familial colorectal cancers (see, for example: Sieber et al. 2003. PubMed ID: 12606733; Table S1, Vogt et al. 2009. PubMed ID: 19732775; Torrezan et al. 2013. PubMed ID: 23561487). This variant has been reported to segregate with disease and has been described as a recurrent variant among Europeans (Seguí et al. 2015. PubMed ID: 24691292). This variant In vitro experimental studies indicate this variant impacts protein function (Parker et al. 2005 PubMed ID: 15987719; Ali et al. 2008. PubMed ID: 18534194; Ruggieri et al. 2013. PubMed ID: 23108399). This variant is reported in 0.011% of alleles in individuals of Latino descent in gnomAD. In ClinVar, it is interpreted as pathogenic by the vast majority of laboratories (Variation ID: 134860), and frameshift variants in MUTYH are expected to be pathogenic. This variant is interpreted as pathogenic.

Labcorp Genetics (formerly Invitae), Labcorp
Classification: Pathogenic for Familial adenomatous polyposis 2. Last evaluated: 2026-01-20. Review status: criteria provided, single submitter. Criteria: Invitae Variant Classification Sherloc (09022015). Collection method: clinical testing. Allele origin: germline.
Comment: This sequence change creates a premature translational stop signal (p.Ala385Profs*23) in the MUTYH gene. It is expected to result in an absent or disrupted protein product. Loss-of-function variants in MUTYH are known to be pathogenic (PMID: 18534194, 20663686). This variant is present in population databases (rs587778536, gnomAD 0.01%). This premature translational stop signal has been observed in individual(s) with multiple colorectal adenomas (PMID: 12606733, 19732775, 23108399, 23561487). This variant is also known as c.1103delC and c.1145delC. ClinVar contains an entry for this variant (Variation ID: 134860). For these reasons, this variant has been classified as Pathogenic.

Center for Genomic Medicine, Rigshospitalet, Copenhagen University Hospital
Classification: Pathogenic. Last evaluated: 2025-12-29. Review status: criteria provided, single submitter. Criteria: ACMG Guidelines, 2015. Collection method: clinical testing. Allele origin: germline.

Color Diagnostics, LLC DBA Color Health
Classification: Pathogenic for Hereditary cancer-predisposing syndrome. Last evaluated: 2025-11-17. Review status: criteria provided, single submitter. Criteria: ACMG Guidelines, 2015. Collection method: clinical testing. Allele origin: germline.
Comment: This variant deletes 1 nucleotide in exon 12 of the MUTYH gene, creating a frameshift and premature translation stop signal. This variant is also known as c.1105delC, c.1103delC and c.1063delC in the literature. This variant is expected to result in an absent or non-functional protein product. Functional studies have found this variant to cause MUTYH protein instability and impaired DNA repair activities in carrier cells and abolished glycosylase and DNA binding activities in vitro (PMID: 15987719, 18534194. 23108399). This variant has been observed in multiple homozygous and biallelic carriers affected with polyposis and/or colorectal cancer (PMID: 12606733, 15635083, 16140997, 16557584, 17368238, 22266422, 22865608, 23561487, 27829682, 28502729, 35668106) and has been observed to segregate in 5 affected members of one Lynch syndrome family (PMID: 24691292). This variant has also been reported in an individual affected with a paranganglioma (PMID: 33748650). This variant has been identified in 18/281328 chromosomes in the general population by the Genome Aggregation Database (gnomAD). Loss of MUTYH function is a known mechanism of disease. Based on the available evidence, this variant is classified as Pathogenic.

Ambry Genetics
Classification: Pathogenic for Hereditary cancer-predisposing syndrome. Last evaluated: 2025-10-29. Review status: criteria provided, single submitter. Criteria: Ambry Variant Classification Scheme 2023. Collection method: clinical testing. Allele origin: germline.
Comment: The c.1147delC pathogenic mutation, located in coding exon 12 of the MUTYH gene, results from a deletion of one nucleotide at nucleotide position 1147, causing a translational frameshift with a predicted alternate stop codon (p.A385Pfs*23). This alteration has been reported in a homozygous and compound heterozygous state in multiple individuals with polyposis and has been described as a European founder mutation (Eliason K et al. J. Med. Genet. 2005 Jan;42:95-6; Nielsen M et al. Gastroent. 2009 Feb;136:471-6; Pin E et al. Int. J. Cancer. 2013 Mar;132:1060-9; Ricci MT et al. J. Hum. Genet. 2017 Feb;62:309-315; Segu&iacute; N et al. Gut. 2015 Feb;64:355-6; Sieber OM et al. N. Engl. J. Med. 2003 Feb 27;348:791-9, Torrezan GT et al. Orphanet J Rare Dis. 2013 Apr;8:54; Vogt S et al. Gastroent. 2009 Dec;137:1976-85.e1-10). Functional studies indicate c.1147delC leads to a protein devoid of glycosylase and DNA binding activity (Ali M et al. Gastroent. 2008 Aug;135:499-507), as well as a 50-100% decrease in MUTYH protein expression levels compared to wild-type levels in a compound heterozygous state (Pin E et al. Int. J. Cancer. 2013 Mar;132:1060-9; Ruggieri V et al. Oncogene. 2013 Sep;32:4500-8). Of note, this alteration is also designated as c.1103delC, c.1105delC, and c.1145delC in published literature. This alteration is expected to result in loss of function by premature protein truncation or nonsense-mediated mRNA decay. As such, this alteration is interpreted as a disease-causing mutation.

CeGaT Center for Human Genetics Tuebingen
Classification: Pathogenic. Last evaluated: 2025-10-01. Review status: criteria provided, single submitter. Criteria: CeGaT Center For Human Genetics Tuebingen Variant Classification Criteria Version 2. Collection method: clinical testing. Allele origin: germline. Affected: yes. Observed: 2 variant alleles.
Comment: MUTYH: PM3:Very Strong, PVS1, PM2:Supporting